The following is an entry in ClinVar:

ClinVar aggregate classification (germline): Uncertain significance (1 of 4 stars; one submission).

Submission:

Labcorp Genetics (formerly Invitae), Labcorp
Classification: Uncertain significance. Last evaluated: 2024-10-17. Review status: criteria provided, single submitter. Criteria: Invitae Variant Classification Sherloc (09022015). Collection method: clinical testing. Allele origin: germline.
Comment: This sequence change falls in intron 5 of the FUK gene. It does not directly change the encoded amino acid sequence of the FUK protein. It affects a nucleotide within the consensus splice site. This variant is present in population databases (rs750250348, gnomAD 0.003%). This variant has not been reported in the literature in individuals affected with FUK-related conditions. Variants that disrupt the consensus splice site are a relatively common cause of aberrant splicing (PMID: 17576681, 9536098). Algorithms developed to predict the effect of sequence changes on RNA splicing suggest that this variant may disrupt the consensus splice site. In summary, the available evidence is currently insufficient to determine the role of this variant in disease. Therefore, it has been classified as a Variant of Uncertain Significance.

Literature cited by the submitters: PubMed 17576681; PubMed 9536098.

NM_145059.3(FCSK):c.412-3C>A

Gene: FCSK (fucose kinase; plus strand). Cytogenetic location: 16q22.1.
Variant type: single nucleotide variant.
Coding change: c.412-3C>A on transcript NM_145059.3 (MANE Select); 3 bases into the intron before coding-DNA position 412, C replaced by A.
Molecular consequence: intron variant.
Genome position (GRCh38, 1-based): chr16:70,466,879, C>A. VCF-style: chr16-70466879-C-A. GRCh37 (hg19) VCF-style: chr16-70500782-C-A.
Identifiers: ClinVar variation 3673694 (VCV003673694.2).